The following is an entry in ClinVar:

ClinVar aggregate classification (germline): Uncertain significance (1 of 4 stars; one submission).

Conditions:
Neuronal ceroid lipofuscinosis 1 (CLN1). Also called: CEROID LIPOFUSCINOSIS, NEURONAL, 1, VARIABLE AGE AT ONSET; PPT1-Related Neuronal Ceroid-Lipofuscinosis. Identifiers: Orphanet 228329, MedGen C1850451, MONDO:0009744, OMIM 256730.

Allele frequency attached by ClinVar (database versions not stated): ExAC 0.00001; gnomAD exomes 0.00001.

Submission:

Labcorp Genetics (formerly Invitae), Labcorp
Classification: Uncertain significance for Neuronal ceroid lipofuscinosis 1. Last evaluated: 2022-07-29. Review status: criteria provided, single submitter. Criteria: Invitae Variant Classification Sherloc (09022015). Collection method: clinical testing. Allele origin: germline.
Comment: This sequence change replaces lysine, which is basic and polar, with arginine, which is basic and polar, at codon 174 of the PPT1 protein (p.Lys174Arg). This variant is present in population databases (rs764378796, gnomAD 0.006%). This variant has not been reported in the literature in individuals affected with PPT1-related conditions. Advanced modeling of protein sequence and biophysical properties (such as structural, functional, and spatial information, amino acid conservation, physicochemical variation, residue mobility, and thermodynamic stability) performed at Invitae indicates that this missense variant is not expected to disrupt PPT1 protein function. Algorithms developed to predict the effect of sequence changes on RNA splicing suggest that this variant may create or strengthen a splice site. In summary, the available evidence is currently insufficient to determine the role of this variant in disease. Therefore, it has been classified as a Variant of Uncertain Significance.

NM_000310.4(PPT1):c.521A>G (p.Lys174Arg)

Gene: PPT1 (palmitoyl-protein thioesterase 1; minus strand). Cytogenetic location: 1p34.2.
Variant type: single nucleotide variant.
Coding change: c.521A>G on transcript NM_000310.4 (MANE Select); coding-DNA position 521, A replaced by G.
Protein change: p.Lys174Arg; replaces lysine 174 with arginine.
Molecular consequence: missense variant.
Genome position (GRCh38, 1-based): chr1:40,089,425, T>C on the plus strand (A>G on the coding strand, the complement: PPT1 is on the minus strand). VCF-style: chr1-40089425-T-C. GRCh37 (hg19) VCF-style: chr1-40555097-T-C.
Other names: c.212A>G, p.Lys71Arg (NM_001142604.2); c.521A>G, p.Lys174Arg (NM_001363695.2); short protein forms K71R, K174R.
Identifiers: ClinVar variation 2166949 (VCV002166949.1), dbSNP rs764378796, ClinGen allele CA789673.